The following is an entry in ClinVar:

NM_001365999.1(SZT2):c.5186G>C (p.Ser1729Thr)

Gene: SZT2 (SZT2 subunit of KICSTOR complex; plus strand). Cytogenetic location: 1p34.2.
Variant type: single nucleotide variant.
Coding change: c.5186G>C on transcript NM_001365999.1 (MANE Select); coding-DNA position 5186, G replaced by C.
Protein change: p.Ser1729Thr; replaces serine 1729 with threonine.
Molecular consequence: missense variant.
Genome position (GRCh38, 1-based): chr1:43,431,813, G>C. VCF-style: chr1-43431813-G-C. GRCh37 (hg19) VCF-style: chr1-43897484-G-C.
Other names: c.5015G>C, p.Ser1672Thr (NM_015284.4); short protein forms S1672T, S1729T.
Identifiers: ClinVar variation 845068 (VCV000845068.8), dbSNP rs759728754, ClinGen allele CA809510.
Genomic context (GRCh38, chr1:43,431,813, plus strand): 5'-TCCGAAGAGGGGGCATCCCACAGAGTCCTGCCCTGCACCGCGCAGCTGCCCATATCCATA[G>C]TTCTCCTGGACGCTCCACCTGCCTTCGCCAAACTCTGCCACTGAGTTTTGTATTTGGGCC-3'
Protein context (NP_001352928.1, residues 1719-1739): ALHRAAAHIH[Ser1729Thr]SPGRSTCLRQ

ClinVar aggregate classification (germline): Uncertain significance. Review status: criteria provided, multiple submitters, no conflicts (2 of 4 stars). 2 submissions from 2 submitters: Uncertain significance (2). Last evaluated 2026-02-18.

Allele frequency attached by ClinVar (database versions not stated): ExAC 0.00002; gnomAD exomes below 0.00001 and 0.00001; TOPMed 0.00005; gnomAD 0.00005.
gnomAD v4.1: 8 of 1,614,092 alleles (0.0005%); highest among the groups gnomAD compares: African/African-American, 0.011%; no homozygotes.

Submissions (2):

GeneDx
Classification: Uncertain significance. Last evaluated: 2026-02-18. Review status: criteria provided, single submitter. Criteria: GeneDx Variant Classification Process June 2021. Collection method: clinical testing. Allele origin: germline.
Comment: Not observed at significant frequency in large population cohorts (gnomAD); In silico analysis suggests that this missense variant does not alter protein structure/function; Has not been previously published as pathogenic or benign to our knowledge

Labcorp Genetics (formerly Invitae), Labcorp
Classification: Uncertain significance. Last evaluated: 2022-01-12. Review status: criteria provided, single submitter. Criteria: Invitae Variant Classification Sherloc (09022015). Collection method: clinical testing. Allele origin: germline.
Comment: This sequence change replaces serine, which is neutral and polar, with threonine, which is neutral and polar, at codon 1672 of the SZT2 protein (p.Ser1672Thr). This variant is present in population databases (rs759728754, gnomAD 0.01%). This variant has not been reported in the literature in individuals affected with SZT2-related conditions. ClinVar contains an entry for this variant (Variation ID: 845068). Algorithms developed to predict the effect of missense changes on protein structure and function (SIFT, PolyPhen-2, Align-GVGD) all suggest that this variant is likely to be tolerated. In summary, the available evidence is currently insufficient to determine the role of this variant in disease. Therefore, it has been classified as a Variant of Uncertain Significance.